The following is an entry in ClinVar:

ClinVar aggregate classification (germline): Uncertain significance (1 of 4 stars; one submission).

Conditions:
Arrhythmogenic right ventricular dysplasia 10. Also called: Arrhythmogenic Right Ventricular Dysplasia/Cardiomyopathy10; ARRHYTHMOGENIC RIGHT VENTRICULAR DYSPLASIA, FAMILIAL, 10; Arrhythmogenic right ventricular dysplasia/cardiomyopathy, type 10. Identifiers: MedGen C1857777, MONDO:0012434, OMIM 610193.

Submission:

Labcorp Genetics (formerly Invitae), Labcorp
Classification: Uncertain significance for Arrhythmogenic right ventricular dysplasia 10. Last evaluated: 2021-12-23. Review status: criteria provided, single submitter. Criteria: Invitae Variant Classification Sherloc (09022015). Collection method: clinical testing. Allele origin: germline.
Comment: In summary, the available evidence is currently insufficient to determine the role of this variant in disease. Therefore, it has been classified as a Variant of Uncertain Significance. Algorithms developed to predict the effect of missense changes on protein structure and function are either unavailable or do not agree on the potential impact of this missense change (SIFT: "Deleterious"; PolyPhen-2: "Probably Damaging"; Align-GVGD: "Class C0"). This sequence change replaces alanine, which is neutral and non-polar, with proline, which is neutral and non-polar, at codon 241 of the DSG2 protein (p.Ala241Pro). This variant has not been reported in the literature in individuals affected with DSG2-related conditions. This variant is not present in population databases (gnomAD no frequency).

NM_001943.5(DSG2):c.721G>C (p.Ala241Pro)

Gene: DSG2 (desmoglein 2; plus strand). Cytogenetic location: 18q12.1.
Variant type: single nucleotide variant.
Coding change: c.721G>C on transcript NM_001943.5 (MANE Select); coding-DNA position 721, G replaced by C.
Protein change: p.Ala241Pro; replaces alanine 241 with proline.
Molecular consequence: missense variant.
Genome position (GRCh38, 1-based): chr18:31,524,478, G>C. VCF-style: chr18-31524478-G-C. GRCh37 (hg19) VCF-style: chr18-29104441-G-C.
Other names: short protein forms A241P.
Identifiers: ClinVar variation 2054910 (VCV002054910.4), dbSNP rs371918777, ClinGen allele CA402134922.